The following is an entry in ClinVar:

NM_001039876.3(SYNE4):c.129-1G>T

Gene: SYNE4 (spectrin repeat containing nuclear envelope family member 4; minus strand). Cytogenetic location: 19q13.12.
Variant type: single nucleotide variant.
Coding change: c.129-1G>T on transcript NM_001039876.3 (MANE Select); the canonical splice acceptor site of the intron before coding-DNA position 129, G replaced by T.
Molecular consequence: splice acceptor variant.
Genome position (GRCh38, 1-based): chr19:36,008,368, C>A on the plus strand (G>T on the coding strand, the complement: SYNE4 is on the minus strand). VCF-style: chr19-36008368-C-A. GRCh37 (hg19) VCF-style: chr19-36499270-C-A.
Other names: c.129-1G>T (NM_001297735.3).
Identifiers: ClinVar variation 2736873 (VCV002736873.4), dbSNP rs371078173, ClinGen allele CA9394013.

ClinVar aggregate classification (germline): Pathogenic. Review status: criteria provided, multiple submitters, no conflicts (2 of 4 stars). 2 submissions from 2 submitters: Pathogenic (2). Last evaluated 2024-01-18.

Allele frequency attached by ClinVar (database versions not stated): gnomAD exomes below 0.00001; ExAC 0.00001; gnomAD 0.00001; TOPMed 0.00002; ESP Exome Variant Server 0.00008.

Submissions (2):

Labcorp Genetics (formerly Invitae), Labcorp
Classification: Pathogenic. Last evaluated: 2024-01-18. Review status: criteria provided, single submitter. Criteria: Invitae Variant Classification Sherloc (09022015). Collection method: clinical testing. Allele origin: germline.
Comment: This sequence change affects an acceptor splice site in intron 1 of the SYNE4 gene. It is expected to disrupt RNA splicing. Variants that disrupt the donor or acceptor splice site typically lead to a loss of protein function (PMID: 16199547), and loss-of-function variants in SYNE4 are known to be pathogenic (PMID: 23348741, 28958982). The frequency data for this variant in the population databases is considered unreliable, as metrics indicate poor data quality at this position in the gnomAD database. Disruption of this splice site has been observed in individual(s) with deafness (PMID: 28958982). It has also been observed to segregate with disease in related individuals. Algorithms developed to predict the effect of sequence changes on RNA splicing suggest that this variant may disrupt the consensus splice site. For these reasons, this variant has been classified as Pathogenic.

GeneDx
Classification: Pathogenic. Last evaluated: 2023-12-28. Review status: criteria provided, single submitter. Criteria: GeneDx Variant Classification Process June 2021. Collection method: clinical testing. Allele origin: germline. Affected: yes.
Comment: Canonical splice site variant predicted to result in a null allele in a gene for which loss of function is a known mechanism of disease; Not observed at significant frequency in large population cohorts (gnomAD); This variant is associated with the following publications: (PMID: 28958982)

Literature cited by the submitters: PubMed 16199547 (cited by Labcorp Genetics (formerly Invitae), Labcorp); PubMed 23348741 (cited by Labcorp Genetics (formerly Invitae), Labcorp); PubMed 28958982 (cited by Labcorp Genetics (formerly Invitae), Labcorp).